The following is an entry in ClinVar:

ClinVar aggregate classification (germline): Uncertain significance (1 of 4 stars; one submission).

Conditions:
WDPCP-related disorder. Also called: WDPCP-related condition.

Submission:

PreventionGenetics, part of Exact Sciences
Classification: Uncertain significance for WDPCP-related condition. Last evaluated: 2025-03-26. Review status: criteria provided, single submitter. Criteria: ACMG Guidelines, 2015. Collection method: clinical testing. Allele origin: germline.
Comment: The WDPCP c.1943G>C variant is predicted to result in the amino acid substitution p.Trp648Ser. This variant corresponds to a deep intronic position in an alternate transcript for this gene (NM_015910:c.1748+18504G>C). To our knowledge, this variant has not been reported in the literature or in a large population database (gnomAD), indicating this variant is rare. At this time, the clinical significance of this variant is uncertain due to the absence of conclusive functional and genetic evidence.

NM_015910.7(WDPCP):c.1748+18504G>C

Gene: WDPCP (WD repeat containing planar cell polarity effector; minus strand). Cytogenetic location: 2p15.
Variant type: single nucleotide variant.
Coding change: c.1748+18504G>C on transcript NM_015910.7 (MANE Select); 18504 bases into the intron after coding-DNA position 1748, G replaced by C.
Molecular consequence: intron variant. On other transcripts: missense variant (1).
Genome position (GRCh38, 1-based): chr2:63,359,882, C>G on the plus strand (G>C on the coding strand, the complement: WDPCP is on the minus strand). VCF-style: chr2-63359882-C-G. GRCh37 (hg19) VCF-style: chr2-63587017-C-G.
Other names: c.1943G>C, p.Trp648Ser (NM_001354045.2); c.1676+18504G>C (NM_001354044.2); c.1271+18504G>C (NM_001042692.3); short protein forms W648S.
Identifiers: ClinVar variation 4984554 (VCV004984554.1).